The following is an entry in ClinVar:

NM_001032283.3(TMPO):c.197C>A (p.Ser66Tyr)

Genes: TMPO (thymopoietin; plus strand), TMPO-AS1 (TMPO antisense RNA 1; minus strand). Cytogenetic location: 12q23.1.
Variant type: single nucleotide variant.
Coding change: c.197C>A on transcript NM_001032283.3 (MANE Select); coding-DNA position 197, C replaced by A.
Protein change: p.Ser66Tyr; replaces serine 66 with tyrosine.
Molecular consequence: missense variant. On other transcripts: non-coding transcript variant (1).
Genome position (GRCh38, 1-based): chr12:98,516,064, C>A. VCF-style: chr12-98516064-C-A. GRCh37 (hg19) VCF-style: chr12-98909842-C-A.
Other names: c.197C>A, p.Ser66Tyr (NM_001032284.3, NM_001307975.2, NM_003276.2); short protein forms S66Y.
Identifiers: ClinVar variation 3458758 (VCV003458758.1).

ClinVar aggregate classification (germline): Uncertain significance (1 of 4 stars; one submission).

gnomAD v4.1: 2 of 1,608,806 alleles (0.00012%); highest among the groups gnomAD compares: Non-Finnish European, 0.00017%; no homozygotes.

Submission:

Ambry Genetics
Classification: Uncertain significance. Last evaluated: 2024-10-04. Review status: criteria provided, single submitter. Criteria: Ambry Variant Classification Scheme 2023. Collection method: clinical testing. Allele origin: germline.
Comment: The p.S66Y variant (also known as c.197C>A), located in coding exon 1 of the TMPO gene, results from a C to A substitution at nucleotide position 197. The serine at codon 66 is replaced by tyrosine, an amino acid with dissimilar properties. This amino acid position is conserved. In addition, this alteration is predicted to be deleterious by in silico analysis. Based on the available evidence, the clinical significance of this variant remains unclear.